The following is an entry in ClinVar:

NM_001376.5(DYNC1H1):c.6153G>C (p.Gln2051His)

Gene: DYNC1H1 (dynein cytoplasmic 1 heavy chain 1; plus strand). Cytogenetic location: 14q32.31.
Variant type: single nucleotide variant.
Coding change: c.6153G>C on transcript NM_001376.5 (MANE Select); coding-DNA position 6153, G replaced by C.
Protein change: p.Gln2051His; replaces glutamine 2051 with histidine.
Molecular consequence: missense variant.
Genome position (GRCh38, 1-based): chr14:102,010,018, G>C. VCF-style: chr14-102010018-G-C. GRCh37 (hg19) VCF-style: chr14-102476355-G-C.
Other names: short protein forms Q2051H.
Identifiers: ClinVar variation 3775814 (VCV003775814.1).

ClinVar aggregate classification (germline): Uncertain significance (1 of 4 stars; one submission).

Conditions:
Cortical dysplasia, complex, with other brain malformations 13. Also called: Intellectual disability, autosomal dominant 13. Identifiers: MedGen C3281202, MONDO:0013805, OMIM 614563.

Submission:

3billion
Classification: Uncertain significance for Cortical dysplasia, complex, with other brain malformations 13. Last evaluated: 2024-01-11. Review status: criteria provided, single submitter. Criteria: ACMG Guidelines, 2015. Collection method: clinical testing. Allele origin: germline. Affected: yes.
Comment: The variant is not observed in the gnomAD v2.1.1 dataset. Predicted Consequence/Location: Missense changes are a common disease-causing mechanism. Damaging effect on gene or gene product predicted by in silico programs is uncertain [3Cnet: 0.49 (damaging >=0.6, benign <0.15)]. Therefore, this variant is classified as VUS according to the recommendation of ACMG/AMP guideline.